The following is an entry in ClinVar:

ClinVar aggregate classification (germline): Likely pathogenic. Review status: criteria provided, multiple submitters, no conflicts (2 of 4 stars). 2 submissions from 2 submitters: Likely pathogenic (2). Last evaluated 2023-06-03.

Conditions:
Hereditary cancer-predisposing syndrome. Also called: Tumor predisposition; Hereditary Cancer Syndrome; Neoplastic Syndromes, Hereditary; Hereditary neoplastic syndrome. Identifiers: Orphanet 140162, MedGen C0027672, MeSH D009386, MONDO:0015356.
Ataxia-telangiectasia-like disorder 1 (ATLD1). Identifiers: Orphanet 251347, MedGen C4012790, MONDO:0024557, OMIM 604391.

Allele frequency attached by ClinVar (database versions not stated): TOPMed 0.00001.
gnomAD v4.1: 1 of 1,612,790 alleles (0.000062%); no homozygotes.

Submissions (2):

Baylor Genetics
Classification: Likely pathogenic for Ataxia-telangiectasia-like disorder 1. Last evaluated: 2023-06-03. Review status: criteria provided, single submitter. Criteria: ACMG Guidelines, 2015. Collection method: clinical testing. Allele origin: unknown.

Ambry Genetics
Classification: Likely pathogenic for Hereditary cancer-predisposing syndrome. Last evaluated: 2018-05-02. Review status: criteria provided, single submitter. Criteria: Ambry Variant Classification Scheme 2023. Collection method: clinical testing. Allele origin: germline.
Comment: The c.846-2A>C intronic variant results from an A to C substitution two nucleotides upstream from coding exon 8 in the MRE11A gene. This nucleotide position is highly conserved in available vertebrate species. Using the BDGP and ESEfinder splice site prediction tools, this alteration is predicted to abolish the native splice acceptor site; however, direct evidence is unavailable. Alterations that disrupt the canonical splice site are expected to cause aberrant splicing, resulting in an abnormal protein or a transcript that is subject to nonsense-mediated mRNA decay. As such, this alteration is classified as likely pathogenic.

NM_005591.4(MRE11):c.846-2A>C

Gene: MRE11 (MRE11 double strand break repair nuclease; minus strand). Cytogenetic location: 11q21.
Variant type: single nucleotide variant.
Coding change: c.846-2A>C on transcript NM_005591.4 (MANE Select); the canonical splice acceptor site of the intron before coding-DNA position 846, A replaced by C.
Molecular consequence: splice acceptor variant.
Genome position (GRCh38, 1-based): chr11:94,470,644, T>G on the plus strand (A>C on the coding strand, the complement: MRE11 is on the minus strand). VCF-style: chr11-94470644-T-G. GRCh37 (hg19) VCF-style: chr11-94203810-T-G.
Other names: c.846-2A>C (NM_001330347.2, NM_005590.4).
Identifiers: ClinVar variation 822466 (VCV000822466.5), dbSNP rs1591693112, ClinGen allele CA382374967.